The following is an entry in ClinVar:

NM_001114753.3(ENG):c.1099G>C (p.Ala367Pro)

Gene: ENG (endoglin; minus strand). Cytogenetic location: 9q34.11.
Variant type: single nucleotide variant.
Coding change: c.1099G>C on transcript NM_001114753.3 (MANE Select); coding-DNA position 1099, G replaced by C.
Protein change: p.Ala367Pro; replaces alanine 367 with proline.
Molecular consequence: missense variant.
Genome position (GRCh38, 1-based): chr9:127,824,339, C>G on the plus strand (G>C on the coding strand, the complement: ENG is on the minus strand). VCF-style: chr9-127824339-C-G. GRCh37 (hg19) VCF-style: chr9-130586618-C-G.
Other names: c.1099G>C, p.Ala367Pro (NM_000118.4, NM_001406715.1); c.553G>C, p.Ala185Pro (NM_001278138.2); short protein forms A185P, A367P.
Identifiers: ClinVar variation 1304989 (VCV001304989.10), dbSNP rs372371435, ClinGen allele CA374980724.
Genomic context (GRCh38, chr9:127,824,339, plus strand): 5'-GCCAGAGGGGCAGGAGTTCCCTTACCGCAACAAGCTCTTTCTTTAGTACCAGGGTCATGG[C>G]GTCGTCGGCACACTTTGTCTGGATCAAGGACATGAGCAGCTCCGGGCTACAAGTGTCCTT-3'
Protein context (NP_001108225.1, residues 357-377): SLIQTKCADD[Ala367Pro]MTLVLKKELV

ClinVar aggregate classification (germline): Uncertain significance. Review status: criteria provided, multiple submitters, no conflicts (2 of 4 stars). 2 submissions from 2 submitters: Uncertain significance (2). Last evaluated 2021-02-16.

Conditions:
Hereditary hemorrhagic telangiectasia (HHT). Also called: ORW DISEASE; Osler Weber Rendu syndrome; OSLER-RENDU-WEBER DISEASE; Osler hemorrhagic telangiectasia syndrome. Identifiers: Orphanet 774, MedGen C0039445, MONDO:0019180. Disease mechanism: loss of function.

Submissions (2):

Labcorp Genetics (formerly Invitae), Labcorp
Classification: Uncertain significance for Hereditary hemorrhagic telangiectasia. Last evaluated: 2021-02-16. Review status: criteria provided, single submitter. Criteria: Invitae Variant Classification Sherloc (09022015). Collection method: clinical testing. Allele origin: germline.
Comment: In summary, the available evidence is currently insufficient to determine the role of this variant in disease. Therefore, it has been classified as a Variant of Uncertain Significance. Advanced modeling of protein sequence and biophysical properties (such as structural, functional, and spatial information, amino acid conservation, physicochemical variation, residue mobility, and thermodynamic stability) performed at Invitae indicates that this missense variant is not expected to disrupt ENG protein function. This variant has not been reported in the literature in individuals with ENG-related conditions. This variant is not present in population databases (ExAC no frequency). This sequence change replaces alanine with proline at codon 367 of the ENG protein (p.Ala367Pro). The alanine residue is weakly conserved and there is a small physicochemical difference between alanine and proline.

GeneDx
Classification: Uncertain significance. Last evaluated: 2019-04-08. Review status: criteria provided, single submitter. Criteria: GeneDx Variant Classification Process June 2021. Collection method: clinical testing. Allele origin: germline. Affected: yes.
Comment: Not observed in large population cohorts (Lek et al., 2016); In silico analysis, which includes protein predictors and evolutionary conservation, supports that this variant does not alter protein structure/function; Has not been previously published as pathogenic or benign to our knowledge